The following is an entry in ClinVar:

ClinVar aggregate classification (germline): Uncertain significance. Review status: criteria provided, multiple submitters, no conflicts (2 of 4 stars). 2 submissions from 2 submitters: Uncertain significance (2). Last evaluated 2023-10-30.

Conditions:
Developmental and epileptic encephalopathy, 12 (DEE12). Identifiers: MedGen C3150988, MONDO:0013389, OMIM 613722.
Inborn genetic diseases. Identifiers: MedGen C0950123, MeSH D030342.

Allele frequency attached by ClinVar (database versions not stated): ExAC 0.00001; gnomAD 0.00001; TOPMed 0.00001; gnomAD exomes 0.00002; ESP Exome Variant Server 0.00008.

Submissions (2):

Ambry Genetics
Classification: Uncertain significance for Inborn genetic diseases. Last evaluated: 2023-10-30. Review status: criteria provided, single submitter. Criteria: Ambry Variant Classification Scheme 2023. Collection method: clinical testing. Allele origin: germline.

Labcorp Genetics (formerly Invitae), Labcorp
Classification: Uncertain significance for Developmental and epileptic encephalopathy, 12. Last evaluated: 2022-10-03. Review status: criteria provided, single submitter. Criteria: Invitae Variant Classification Sherloc (09022015). Collection method: clinical testing. Allele origin: germline.
Comment: This sequence change replaces glycine, which is neutral and non-polar, with arginine, which is basic and polar, at codon 174 of the PNKP protein (p.Gly174Arg). This variant is present in population databases (rs142770020, gnomAD 0.006%). This variant has not been reported in the literature in individuals affected with PNKP-related conditions. ClinVar contains an entry for this variant (Variation ID: 937763). Advanced modeling of protein sequence and biophysical properties (such as structural, functional, and spatial information, amino acid conservation, physicochemical variation, residue mobility, and thermodynamic stability) performed at Invitae indicates that this missense variant is expected to disrupt PNKP protein function. Algorithms developed to predict the effect of sequence changes on RNA splicing suggest that this variant may create or strengthen a splice site. In summary, the available evidence is currently insufficient to determine the role of this variant in disease. Therefore, it has been classified as a Variant of Uncertain Significance.

NM_007254.4(PNKP):c.520G>A (p.Gly174Arg)

Gene: PNKP (polynucleotide kinase 3'-phosphatase; minus strand). Cytogenetic location: 19q13.33.
Variant type: single nucleotide variant.
Coding change: c.520G>A on transcript NM_007254.4 (MANE Select); coding-DNA position 520, G replaced by A.
Protein change: p.Gly174Arg; replaces glycine 174 with arginine.
Molecular consequence: missense variant.
Genome position (GRCh38, 1-based): chr19:49,864,382, C>T on the plus strand (G>A on the coding strand, the complement: PNKP is on the minus strand). VCF-style: chr19-49864382-C-T. GRCh37 (hg19) VCF-style: chr19-50367639-C-T.
Other names: short protein forms G174R.
Identifiers: ClinVar variation 937763 (VCV000937763.8), dbSNP rs142770020, ClinGen allele CA9586916.